The following is an entry in ClinVar:

ClinVar aggregate classification (germline): Likely benign. Review status: criteria provided, single submitter (1 of 4 stars). 2 submissions from 2 submitters: Likely benign (1). 1 of the submissions does not count toward it. Last evaluated 2023-10-01.

Conditions:
ASH1L-related disorder. Also called: ASH1L-related condition.

Allele frequency attached by ClinVar (database versions not stated): ExAC 0.00004; ESP Exome Variant Server 0.00008; TOPMed 0.00012; gnomAD 0.00015; 1000 Genomes Project 30x 0.00031; 1000 Genomes Project 0.00040.
gnomAD v4.1: 58 of 1,614,088 alleles (0.0036%); highest among the groups gnomAD compares: African/African-American, 0.053%; 1 homozygote.

Submissions (2):

CeGaT Center for Human Genetics Tuebingen
Classification: Likely benign. Last evaluated: 2023-10-01. Review status: criteria provided, single submitter. Criteria: CeGaT Center For Human Genetics Tuebingen Variant Classification Criteria Version 2. Collection method: clinical testing. Allele origin: germline. Affected: yes. Observed: 1 variant allele.
Comment: ASH1L: BP4, BP7

PreventionGenetics, part of Exact Sciences
Classification: Likely benign for ASH1L-related condition. Last evaluated: 2022-04-06. Review status: no assertion criteria provided. Collection method: clinical testing. Allele origin: germline. Not counted in ClinVar's aggregate classification.
Comment: This variant is classified as likely benign based on ACMG/AMP sequence variant interpretation guidelines (Richards et al. 2015 PMID: 25741868, with internal and published modifications).

NM_018489.3(ASH1L):c.8685A>C (p.Thr2895=)

Gene: ASH1L (ASH1 like histone lysine methyltransferase; minus strand). Cytogenetic location: 1q22.
Variant type: single nucleotide variant.
Coding change: c.8685A>C on transcript NM_018489.3 (MANE Select); coding-DNA position 8685, A replaced by C.
Protein change: p.Thr2895=; no amino-acid change (threonine 2895 retained).
Molecular consequence: synonymous variant.
Genome position (GRCh38, 1-based): chr1:155,338,207, T>G on the plus strand (A>C on the coding strand, the complement: ASH1L is on the minus strand). VCF-style: chr1-155338207-T-G. GRCh37 (hg19) VCF-style: chr1-155307998-T-G.
Other names: c.8685A>C (NM_018489.2); c.8700A>C, p.Thr2900= (NM_001366177.2).
Identifiers: ClinVar variation 2639404 (VCV002639404.25), dbSNP rs112342645, ClinGen allele CA1145813.
Genomic context (GRCh38, chr1:155,338,207, plus strand): 5'-TTGGTTATGCCGTCGTTCCTCAGGGGTACAGGTTGACTGGGGTTCTTGACTACTTTCCTC[T>G]GTTTTTTTTTCACCCTCACTGACGTTAGCAGTGGCCCCTTCCCGTTCTGGCTCCTCCAGG-3'
Protein context (NP_060959.2, residues 2885-2905): TANVSEGEKK[Thr2895=]EESSQEPQST